The following is an entry in ClinVar:

NM_016026.4(RDH11):c.454+3A>G

Genes: GPHN (gephyrin; plus strand), RDH11 (retinol dehydrogenase 11; minus strand). Cytogenetic location: 14q24.1.
Variant type: single nucleotide variant.
Coding change: c.454+3A>G on transcript NM_016026.4 (MANE Select); 3 bases into the intron after coding-DNA position 454, A replaced by G.
Molecular consequence: intron variant.
Genome position (GRCh38, 1-based): chr14:67,691,137, T>C on the plus strand (A>G on the coding strand, the complement: RDH11 is on the minus strand). VCF-style: chr14-67691137-T-C. GRCh37 (hg19) VCF-style: chr14-68157854-T-C.
Other names: c.454+3A>G (NM_001252650.2).
Identifiers: ClinVar variation 2121138 (VCV002121138.4), dbSNP rs773027629, ClinGen allele CA2580088572.

ClinVar aggregate classification (germline): Uncertain significance (1 of 4 stars; one submission).

Submission:

Labcorp Genetics (formerly Invitae), Labcorp
Classification: Uncertain significance. Last evaluated: 2023-09-25. Review status: criteria provided, single submitter. Criteria: Invitae Variant Classification Sherloc (09022015). Collection method: clinical testing. Allele origin: germline.
Comment: In summary, the available evidence is currently insufficient to determine the role of this variant in disease. Therefore, it has been classified as a Variant of Uncertain Significance. Variants that disrupt the consensus splice site are a relatively common cause of aberrant splicing (PMID: 17576681, 9536098). Algorithms developed to predict the effect of sequence changes on RNA splicing suggest that this variant is not likely to affect RNA splicing. ClinVar contains an entry for this variant (Variation ID: 2121138). This variant has not been reported in the literature in individuals affected with RDH11-related conditions. This variant is not present in population databases (gnomAD no frequency). This sequence change falls in intron 4 of the RDH11 gene. It does not directly change the encoded amino acid sequence of the RDH11 protein. It affects a nucleotide within the consensus splice site.

Literature cited by the submitters: PubMed 17576681; PubMed 9536098.